The following is an entry in ClinVar:

NM_000535.7(PMS2):c.1047G>T (p.Lys349Asn)

Gene: PMS2 (PMS1 homolog 2, mismatch repair system component; minus strand). Cytogenetic location: 7p22.1.
Variant type: single nucleotide variant.
Coding change: c.1047G>T on transcript NM_000535.7 (MANE Select); coding-DNA position 1047, G replaced by T.
Protein change: p.Lys349Asn; replaces lysine 349 with asparagine.
Molecular consequence: missense variant. On other transcripts: non-coding transcript variant (1), intron variant (2).
Genome position (GRCh38, 1-based): chr7:5,989,897, C>A on the plus strand (G>T on the coding strand, the complement: PMS2 is on the minus strand). VCF-style: chr7-5989897-C-A. GRCh37 (hg19) VCF-style: chr7-6029528-C-A.
Other names: c.1047G>T (NM_000535.5); c.642G>T, p.Lys214Asn (NM_001322003.2, NM_001322004.2, NM_001322005.2 and 1 more transcripts); c.729G>T, p.Lys243Asn (NM_001322007.2, NM_001322008.2); c.114G>T, p.Lys38Asn (NM_001322011.2, NM_001322012.2); c.474G>T, p.Lys158Asn (NM_001322013.2); c.1047G>T, p.Lys349Asn (NM_001322014.2); c.738G>T, p.Lys246Asn (NM_001322015.2); c.583+2076G>T (NM_001322010.2); and 1 more; short protein forms K243N, K349N, K38N, K158N, K214N, K246N.
Identifiers: ClinVar variation 1506468 (VCV001506468.10), dbSNP rs1422380612, ClinGen allele CA366742915.

ClinVar aggregate classification (germline): Uncertain significance. Review status: criteria provided, multiple submitters, no conflicts (2 of 4 stars). 4 submissions from 4 submitters: Uncertain significance (4). Last evaluated 2025-11-10.

Conditions:
Hereditary nonpolyposis colorectal neoplasms. Identifiers: MedGen C0009405, MeSH D003123.
Hereditary cancer-predisposing syndrome. Also called: Hereditary neoplastic syndrome; Tumor predisposition; Neoplastic Syndromes, Hereditary; Hereditary Cancer Syndrome. Identifiers: Orphanet 140162, MedGen C0027672, MeSH D009386, MONDO:0015356.
Lynch syndrome. Identifiers: Orphanet 144, MedGen C4552100, MONDO:0005835. Disease mechanism: loss of function.

Allele frequency attached by ClinVar (database versions not stated): gnomAD exomes below 0.00001.

Submissions (4):

Color Diagnostics, LLC DBA Color Health
Classification: Uncertain significance for Hereditary cancer-predisposing syndrome. Last evaluated: 2025-11-10. Review status: criteria provided, single submitter. Criteria: ACMG Guidelines, 2015. Collection method: clinical testing. Allele origin: germline.
Comment: This missense variant replaces lysine with asparagine at codon 349 of the PMS2 protein. Computational prediction is inconclusive regarding the impact of this variant on protein structure and function. To our knowledge, functional studies have not been reported for this variant. This variant has not been reported in individuals affected with PMS2-related disorders in the literature. This variant has not been identified in the general population by the Genome Aggregation Database (gnomAD). The available evidence is insufficient to determine the role of this variant in disease conclusively. Therefore, this variant is classified as a Variant of Uncertain Significance.

Ambry Genetics
Classification: Uncertain significance for Hereditary cancer-predisposing syndrome. Last evaluated: 2025-11-05. Review status: criteria provided, single submitter. Criteria: Ambry Variant Classification Scheme 2023. Collection method: clinical testing. Allele origin: germline.
Comment: The p.K349N variant (also known as c.1047G>T), located in coding exon 10 of the PMS2 gene, results from a G to T substitution at nucleotide position 1047. The lysine at codon 349 is replaced by asparagine, an amino acid with similar properties. This amino acid position is conserved. In addition, the in silico prediction for this alteration is inconclusive. Based on the available evidence, the clinical significance of this variant remains unclear.

All of Us Research Program, National Institutes of Health
Classification: Uncertain significance for Lynch syndrome. Last evaluated: 2024-03-05. Review status: criteria provided, single submitter. Criteria: ACMG Guidelines, 2015. Collection method: clinical testing. Allele origin: germline. Inheritance: Autosomal dominant inheritance. Observed: 1 variant allele, 1 heterozygote.
Comment: This study involves interpretation of variants in research participants for the purpose of population health screening. Participant phenotype was not available at the time of variant classification. Additional details can be found in publication PMID: 35346344, PMCID: PMC8962531

Labcorp Genetics (formerly Invitae), Labcorp
Classification: Uncertain significance for Hereditary nonpolyposis colorectal neoplasms. Last evaluated: 2022-07-20. Review status: criteria provided, single submitter. Criteria: Invitae Variant Classification Sherloc (09022015). Collection method: clinical testing. Allele origin: germline.
Comment: ClinVar contains an entry for this variant (Variation ID: 1506468). This variant has not been reported in the literature in individuals affected with PMS2-related conditions. This variant is present in population databases (no rsID available, gnomAD 0.0009%). This sequence change replaces lysine, which is basic and polar, with asparagine, which is neutral and polar, at codon 349 of the PMS2 protein (p.Lys349Asn). Advanced modeling of protein sequence and biophysical properties (such as structural, functional, and spatial information, amino acid conservation, physicochemical variation, residue mobility, and thermodynamic stability) performed at Invitae indicates that this missense variant is not expected to disrupt PMS2 protein function. In summary, the available evidence is currently insufficient to determine the role of this variant in disease. Therefore, it has been classified as a Variant of Uncertain Significance.